The following is an entry in ClinVar:

ClinVar aggregate classification (germline): Conflicting classifications of pathogenicity. Review status: criteria provided, conflicting classifications (1 of 4 stars). 5 submissions from 5 submitters: Uncertain significance (1); Likely benign (3). 1 of the submissions does not count toward it. Last evaluated 2025-04-09.

Conditions:
PCNT-related disorder. Also called: PCNT-related condition.
Inborn genetic diseases. Identifiers: MedGen C0950123, MeSH D030342.

Allele frequency attached by ClinVar (database versions not stated): gnomAD 0.00008 and 0.00009; TOPMed 0.00010.
gnomAD v4.1: 253 of 1,600,532 alleles (0.016%); highest among the groups gnomAD compares: Non-Finnish European, 0.02%; no homozygotes.

Submissions (5):

Labcorp Genetics (formerly Invitae), Labcorp
Classification: Likely benign. Last evaluated: 2025-04-09. Review status: criteria provided, single submitter. Criteria: Invitae Variant Classification Sherloc (09022015). Collection method: clinical testing. Allele origin: germline.

Ambry Genetics
Classification: Likely benign for Inborn genetic diseases. Last evaluated: 2025-03-19. Review status: criteria provided, single submitter. Criteria: Ambry Variant Classification Scheme 2023. Collection method: clinical testing. Allele origin: germline.

Eurofins Ntd Llc (ga)
Classification: Uncertain significance. Last evaluated: 2016-06-16. Review status: criteria provided, single submitter. Criteria: EGL Classification Definitions 2015. Collection method: clinical testing. Allele origin: germline. Observed: 1 variant allele, 1 heterozygote.

Genetic Services Laboratory, University of Chicago
Classification: Likely benign. Last evaluated: 2016-02-26. Review status: criteria provided, single submitter. Criteria: ACMG Guidelines, 2015. Collection method: clinical testing. Allele origin: germline. Affected: no.

PreventionGenetics, part of Exact Sciences
Classification: Likely benign for PCNT-related condition. Last evaluated: 2021-06-07. Review status: no assertion criteria provided. Collection method: clinical testing. Allele origin: germline. Not counted in ClinVar's aggregate classification.
Comment: This variant is classified as likely benign based on ACMG/AMP sequence variant interpretation guidelines (Richards et al. 2015 PMID: 25741868, with internal and published modifications).

NM_006031.6(PCNT):c.6876C>T (p.Ala2292=)

Gene: PCNT (pericentrin; plus strand). Cytogenetic location: 21q22.3.
Variant type: single nucleotide variant.
Coding change: c.6876C>T on transcript NM_006031.6 (MANE Select); coding-DNA position 6876, C replaced by T.
Protein change: p.Ala2292=; no amino-acid change (alanine 2292 retained).
Molecular consequence: synonymous variant.
Genome position (GRCh38, 1-based): chr21:46,416,794, C>T. VCF-style: chr21-46416794-C-T. GRCh37 (hg19) VCF-style: chr21-47836708-C-T.
Other names: c.6522C>T, p.Ala2174= (NM_001315529.2).
Identifiers: ClinVar variation 288217 (VCV000288217.17), dbSNP rs761995771, ClinGen allele CA10080427.